The following is an entry in ClinVar:

ClinVar aggregate classification (germline): Benign/Likely benign. Review status: criteria provided, multiple submitters, no conflicts (2 of 4 stars). 3 submissions from 3 submitters: Benign (1); Likely benign (2). Last evaluated 2025-02-10.

Conditions:
Hereditary nonpolyposis colorectal neoplasms. Identifiers: MedGen C0009405, MeSH D003123.
Hereditary cancer-predisposing syndrome. Also called: Tumor predisposition; Neoplastic Syndromes, Hereditary; Hereditary Cancer Syndrome; Hereditary neoplastic syndrome. Identifiers: Orphanet 140162, MedGen C0027672, MeSH D009386, MONDO:0015356.
Lynch syndrome 4 (LYNCH4). Also called: Colorectal cancer, hereditary nonpolyposis, type 4; Hereditary non-polyposis colorectal cancer, type 4. Identifiers: Orphanet 144, MedGen C1838333, MONDO:0013699, OMIM 614337. Disease mechanism: loss of function.

Allele frequency attached by ClinVar (database versions not stated): TOPMed 0.00001.

Submissions (3):

Labcorp Genetics (formerly Invitae), Labcorp
Classification: Likely benign for Hereditary nonpolyposis colorectal neoplasms. Last evaluated: 2025-02-10. Review status: criteria provided, single submitter. Criteria: Invitae Variant Classification Sherloc (09022015). Collection method: clinical testing. Allele origin: germline.

Myriad Genetics, Inc.
Classification: Benign for Lynch syndrome 4. Last evaluated: 2025-02-03. Review status: criteria provided, single submitter. Criteria: Myriad Autosomal Dominant, Autosomal Recessive and X-Linked Classification Criteria (2023). Collection method: clinical testing. Allele origin: unknown.
Comment: This variant is considered benign. This variant is a silent/synonymous amino acid change and it is not expected to impact splicing.

Ambry Genetics
Classification: Likely benign for Hereditary cancer-predisposing syndrome. Last evaluated: 2023-07-08. Review status: criteria provided, single submitter. Criteria: Ambry Variant Classification Scheme 2023. Collection method: clinical testing. Allele origin: germline.

NM_000535.7(PMS2):c.2079G>A (p.Glu693=)

Gene: PMS2 (PMS1 homolog 2, mismatch repair system component; minus strand). Cytogenetic location: 7p22.1.
Variant type: single nucleotide variant.
Coding change: c.2079G>A on transcript NM_000535.7 (MANE Select); coding-DNA position 2079, G replaced by A.
Protein change: p.Glu693=; no amino-acid change (glutamic acid 693 retained).
Molecular consequence: synonymous variant. On other transcripts: non-coding transcript variant (1).
Genome position (GRCh38, 1-based): chr7:5,982,919, C>T on the plus strand (G>A on the coding strand, the complement: PMS2 is on the minus strand). VCF-style: chr7-5982919-C-T. GRCh37 (hg19) VCF-style: chr7-6022550-C-T.
Other names: c.2079G>A (NM_000535.5); c.1674G>A, p.Glu558= (NM_001322003.2, NM_001322004.2, NM_001322005.2 and 1 more transcripts); c.1923G>A, p.Glu641= (NM_001322006.2); c.1761G>A, p.Glu587= (NM_001322007.2, NM_001322008.2); c.1518G>A, p.Glu506= (NM_001322010.2); c.1146G>A, p.Glu382= (NM_001322011.2, NM_001322012.2); c.1506G>A, p.Glu502= (NM_001322013.2); c.2079G>A, p.Glu693= (NM_001322014.2); and 1 more.
Identifiers: ClinVar variation 1158203 (VCV001158203.11), dbSNP rs1583299143, ClinGen allele CA453643395.
Genomic context (GRCh38, chr7:5,982,919, plus strand): 5'-CTGCAGCATCTCGAAGTTATACTTCTCGTCCGTGGCATGCTGGTCCACTATGAAGATATC[C>T]TCATTCAGTTTGGTTATTATAAATCCCAGGTTAAACTGACCAATGATTTCCATTTCTGCA-3'
Protein context (NP_000526.2, residues 683-703): NLGFIITKLN[Glu693=]DIFIVDQHAT